The following is an entry in ClinVar:

ClinVar aggregate classification (germline): Pathogenic/Likely pathogenic. Review status: criteria provided, multiple submitters, no conflicts (2 of 4 stars). 4 submissions from 4 submitters: Pathogenic (1); Likely pathogenic (2). 1 of the submissions does not count toward it. Last evaluated 2025-09-08.

Conditions:
Multiple sulfatase deficiency (MSD). Also called: Sulfatidosis, Juvenile, Austin Type; Mucosulfatidosis; Multiple Sulfatase Deficiency Disease. Identifiers: Orphanet 585, MedGen C0268263, MONDO:0010088, OMIM 272200.

Submissions (4):

Women's Health and Genetics/Laboratory Corporation of America, LabCorp
Classification: Likely pathogenic for Multiple sulfatase deficiency. Last evaluated: 2025-09-08. Review status: criteria provided, single submitter. Criteria: LabCorp Variant Classification Summary - May 2015. Collection method: clinical testing. Allele origin: germline.
Comment: Variant summary: SUMF1 c.2T>G (p.Met1Arg) alters the initiation codon and is predicted to result either in absence of the protein or truncation of the encoded protein due to translation initiation at a downstream codon. The next downstream methionine as at Met91. Other variants that affect the start codon have been observed in the literature. The variant was absent in 232162 control chromosomes. c.2T>G has been observed in individual(s) affected with Multiple sulfatase deficiency (Cosma_2003). To our knowledge, no experimental evidence demonstrating an impact on protein function has been reported. The following publication have been ascertained in the context of this evaluation (PMID: 12757706). ClinVar contains an entry for this variant (Variation ID: 2673). Based on the evidence outlined above, the variant was classified as likely pathogenic.

Labcorp Genetics (formerly Invitae), Labcorp
Classification: Pathogenic for Multiple sulfatase deficiency. Last evaluated: 2025-05-19. Review status: criteria provided, single submitter. Criteria: Invitae Variant Classification Sherloc (09022015). Collection method: clinical testing. Allele origin: germline.
Comment: This sequence change affects the initiator codon of the SUMF1 mRNA. This change may impact translation initiation or efficiency. The next in-frame methionine is located at codon 91. This variant is not present in population databases (gnomAD no frequency). Disruption of the initiator codon has been observed in individual(s) with multiple sulfatase deficiency (PMID: 15146462). ClinVar contains an entry for this variant (Variation ID: 2673). This variant disrupts a region of the SUMF1 protein in which other variant(s) (p.Leu20Phe) have been observed in individuals with SUMF1-related conditions (PMID: 15146462). This suggests that this is a clinically significant region of the protein, and that variants that disrupt it are likely to be disease-causing. For these reasons, this variant has been classified as Pathogenic.

Fulgent Genetics
Classification: Likely pathogenic for Multiple sulfatase deficiency. Last evaluated: 2022-05-25. Review status: criteria provided, single submitter. Criteria: ACMG Guidelines, 2015. Collection method: clinical testing. Allele origin: unknown.

OMIM
Classification: Pathogenic for MULTIPLE SULFATASE DEFICIENCY. Last evaluated: 2003-05-16. Review status: no assertion criteria provided. Collection method: literature only. Allele origin: germline. Not counted in ClinVar's aggregate classification.

Literature cited by the submitters: PubMed 12757706 (cited by Women's Health and Genetics/Laboratory Corporation of America, LabCorp and OMIM); PubMed 15146462 (cited by Labcorp Genetics (formerly Invitae), Labcorp).

NM_182760.4(SUMF1):c.2T>G (p.Met1Arg)

Gene: SUMF1 (sulfatase modifying factor 1; minus strand). Cytogenetic location: 3p26.1.
Variant type: single nucleotide variant.
Coding change: c.2T>G on transcript NM_182760.4 (MANE Select); coding-DNA position 2, T replaced by G.
Protein change: p.Met1Arg; changes the start codon (methionine 1).
Molecular consequence: missense variant, initiator codon variant.
Genome position (GRCh38, 1-based): chr3:4,467,244, A>C on the plus strand (T>G on the coding strand, the complement: SUMF1 is on the minus strand). VCF-style: chr3-4467244-A-C. GRCh37 (hg19) VCF-style: chr3-4508928-A-C.
Other names: c.2T>G, p.Met1Arg (NM_001164674.2, NM_001164675.2); short protein forms M1R.
Identifiers: ClinVar variation 2673 (VCV000002673.9), dbSNP rs137852851, ClinGen allele CA115676.